The following is an entry in ClinVar:

NM_153240.5(NPHP3):c.2852G>A (p.Arg951Gln)

Genes: NPHP3 (nephrocystin 3; minus strand), NPHP3-ACAD11 (NPHP3-ACAD11 readthrough (NMD candidate); minus strand). Cytogenetic location: 3q22.1.
Variant type: single nucleotide variant.
Coding change: c.2852G>A on transcript NM_153240.5 (MANE Select); coding-DNA position 2852, G replaced by A.
Protein change: p.Arg951Gln; replaces arginine 951 with glutamine.
Molecular consequence: missense variant. On other transcripts: non-coding transcript variant (1).
Genome position (GRCh38, 1-based): chr3:132,689,105, C>T on the plus strand (G>A on the coding strand, the complement: NPHP3 is on the minus strand). VCF-style: chr3-132689105-C-T. GRCh37 (hg19) VCF-style: chr3-132407949-C-T.
Other names: c.2852G>A (NM_153240.4); short protein forms R951Q.
Identifiers: ClinVar variation 3336290 (VCV003336290.4).

ClinVar aggregate classification (germline): Uncertain significance. Review status: criteria provided, multiple submitters, no conflicts (2 of 4 stars). 3 submissions from 3 submitters: Uncertain significance (3). Last evaluated 2026-05-12.

Conditions:
NPHP3-related disorder. Also called: NPHP3-related disorders; NPHP3-related condition. Identifiers: MedGen CN379163.

gnomAD v4.1: 14 of 1,614,010 alleles (0.00087%); highest among the groups gnomAD compares: East Asian, 0.018%; no homozygotes.

Submissions (3):

PreventionGenetics, part of Exact Sciences
Classification: Uncertain significance for NPHP3-related condition. Last evaluated: 2026-05-12. Review status: criteria provided, single submitter. Criteria: ACMG Guidelines, 2015. Collection method: clinical testing. Allele origin: germline.
Comment: The NPHP3 c.2852G>A variant is predicted to result in the amino acid substitution p.Arg951Gln. This variant was reported in an individual with nephronophthisis-related ciliopathy (Kang et al. 2016. PubMed ID: 27491411). This variant is reported in 0.0054% of alleles in individuals of East Asian descent in gnomAD. At this time, the clinical significance of this variant is uncertain due to the absence of conclusive functional and genetic evidence.

Women's Health and Genetics/Laboratory Corporation of America, LabCorp
Classification: Uncertain significance. Last evaluated: 2025-12-09. Review status: criteria provided, single submitter. Criteria: LabCorp Variant Classification Summary - May 2015. Collection method: clinical testing. Allele origin: germline.
Comment: Variant summary: NPHP3 c.2852G>A (p.Arg951Gln) results in a conservative amino acid change in the encoded protein sequence. Algorithms developed to predict the effect of missense changes on protein structure and function are either unavailable or do not agree on the potential impact of this missense change. The variant allele was found at a frequency of 4e-06 in 251236 control chromosomes. The available data on variant occurrences in the general population are insufficient to allow any conclusion about variant significance. c.2852G>A has been observed in an individual affected with Nephronophthisis-related ciliopathy without strong evidence of causality (Kang_2016). This report does not provide unequivocal conclusions about association of the variant with Joubert Syndrome And Related Disorders. To our knowledge, no experimental evidence demonstrating an impact on protein function has been reported. The following publication has been ascertained in the context of this evaluation (PMID: 27491411). ClinVar contains an entry for this variant (Variation ID: 3336290). Based on the evidence outlined above, the variant was classified as uncertain significance.

Blueprint Genetics
Classification: Uncertain significance. Last evaluated: 2021-10-11. Review status: criteria provided, single submitter. Criteria: ACMG Guidelines, 2015. Collection method: clinical testing. Allele origin: germline.

Literature cited by the submitters: PubMed 27491411 (cited by Women's Health and Genetics/Laboratory Corporation of America, LabCorp).